The following is an entry in ClinVar:

NM_001271.4(CHD2):c.2876+39T>C

Gene: CHD2 (chromodomain helicase DNA binding protein 2; plus strand). Cytogenetic location: 15q26.1.
Variant type: single nucleotide variant.
Coding change: c.2876+39T>C on transcript NM_001271.4 (MANE Select); 39 bases into the intron after coding-DNA position 2876, T replaced by C.
Molecular consequence: intron variant.
Genome position (GRCh38, 1-based): chr15:92,979,322, T>C. VCF-style: chr15-92979322-T-C. GRCh37 (hg19) VCF-style: chr15-93522552-T-C.
Identifiers: ClinVar variation 677310 (VCV000677310.2), dbSNP rs74029211, ClinGen allele CA7748086.

ClinVar aggregate classification (germline): Benign. Review status: criteria provided, multiple submitters, no conflicts (2 of 4 stars). 2 submissions from 2 submitters: Benign (2). Last evaluated 2018-06-16.

Allele frequency attached by ClinVar (database versions not stated): gnomAD exomes 0.00187 and 0.00493; ExAC 0.00602; gnomAD 0.01824 and 0.01962; 1000 Genomes Project 0.01917; 1000 Genomes Project 30x 0.01999; TOPMed 0.02085; ESP Exome Variant Server 0.02163.
gnomAD v4.1: 5,627 of 1,605,262 alleles (0.35%); highest among the groups gnomAD compares: African/African-American, 6.7%; 167 homozygotes.

Submissions (2):

GeneDx
Classification: Benign. Last evaluated: 2018-06-16. Review status: criteria provided, single submitter. Criteria: GeneDx Variant Classification (06012015). Collection method: clinical testing. Allele origin: germline. Affected: yes.
Comment: This variant is considered likely benign or benign based on one or more of the following criteria: it is a conservative change, it occurs at a poorly conserved position in the protein, it is predicted to be benign by multiple in silico algorithms, and/or has population frequency not consistent with disease.

Breakthrough Genomics
Classification: Benign. Review status: criteria provided, single submitter. Criteria: ACMG Guidelines, 2015. Collection method: not provided. Allele origin: germline. Inheritance: Autosomal dominant inheritance. Affected: yes.